The following is an entry in ClinVar:

NM_001161352.2(KCNMA1):c.3055G>T (p.Asp1019Tyr)

Genes: KCNMA1 (potassium calcium-activated channel subfamily M alpha 1; minus strand), KCNMA1-AS1 (KCNMA1 antisense RNA 1; plus strand). Cytogenetic location: 10q22.3.
Variant type: single nucleotide variant.
Coding change: c.3055G>T on transcript NM_001161352.2 (MANE Select); coding-DNA position 3055, G replaced by T.
Protein change: p.Asp1019Tyr; replaces aspartic acid 1019 with tyrosine.
Molecular consequence: missense variant.
Genome position (GRCh38, 1-based): chr10:76,910,058, C>A on the plus strand (G>T on the coding strand, the complement: KCNMA1 is on the minus strand). VCF-style: chr10-76910058-C-A. GRCh37 (hg19) VCF-style: chr10-78669816-C-A.
Other names: c.2893G>T, p.Asp965Tyr (NM_001014797.3); c.3004G>T, p.Asp1002Tyr (NM_001161353.2); c.2731G>T, p.Asp911Tyr (NM_001271518.2); c.2971G>T, p.Asp991Tyr (NM_001271519.2); c.2890G>T, p.Asp964Tyr (NM_001322829.2, NM_001322836.2); c.2983G>T, p.Asp995Tyr (NM_001322830.2); c.2881G>T, p.Asp961Tyr (NM_001322832.2, NM_001410940.1, NM_002247.4); c.2974G>T, p.Asp992Tyr (NM_001322835.2, NM_001322837.2); and 1 more; short protein forms D964Y, D991Y, D995Y, D1019Y, D810Y, D961Y, D965Y, D1002Y.
Identifiers: ClinVar variation 3731079 (VCV003731079.1).

ClinVar aggregate classification (germline): Uncertain significance (1 of 4 stars; one submission).

gnomAD v4.1: 1 of 1,614,112 alleles (0.000062%); highest among the groups gnomAD compares: Middle Eastern, 0.017%; no homozygotes.

Submission:

GeneDx
Classification: Uncertain significance. Last evaluated: 2024-08-12. Review status: criteria provided, single submitter. Criteria: GeneDx Variant Classification Process June 2021. Collection method: clinical testing. Allele origin: germline. Affected: yes.
Comment: Not observed at significant frequency in large population cohorts (gnomAD); In silico analysis supports that this missense variant has a deleterious effect on protein structure/function; Has not been previously published as pathogenic or benign to our knowledge